The following is an entry in ClinVar:

ClinVar aggregate classification (germline): Conflicting classifications of pathogenicity. Review status: criteria provided, conflicting classifications (1 of 4 stars). 8 submissions from 8 submitters: Uncertain significance (3); Likely benign (4). 1 of the submissions does not count toward it. Last evaluated 2026-09-22.

Conditions:
Adult hypophosphatasia. Identifiers: Orphanet 247676, Orphanet 436, MedGen C0268413, MONDO:1010154, OMIM 146300, MONDO:0007798.
Childhood hypophosphatasia. Identifiers: Orphanet 247667, Orphanet 436, MedGen C0220743, MONDO:1010168, OMIM 241510, MONDO:0009428.
Infantile hypophosphatasia. Identifiers: Orphanet 247651, Orphanet 436, MedGen C0268412, MONDO:1010169, OMIM 241500, MONDO:0009427.
Hypophosphatasia. Also called: Phosphoethanol-aminuria. Identifiers: Orphanet 436, MedGen C0020630, MeSH D007014, MONDO:0018570.

Allele frequency attached by ClinVar (database versions not stated): TOPMed 0.00008; 1000 Genomes Project 30x 0.00016; 1000 Genomes Project 0.00020; gnomAD exomes 0.00006 and 0.00009; ExAC 0.00007.
gnomAD v4.1: 140 of 1,614,114 alleles (0.0087%); highest among the groups gnomAD compares: East Asian, 0.094%; 1 homozygote.

Submissions (8):

GeneDx
Classification: Uncertain significance. Last evaluated: 2026-09-22. Review status: criteria provided, single submitter. Criteria: GeneDx Variant Classification Process June 2021. Collection method: clinical testing. Allele origin: germline.
Comment: Published functional studies demonstrate no effect on enzymatic activity or dominant negative effects (PMID: 32160374); In silico analysis supports that this missense variant has a deleterious effect on protein structure/function; Reported as a variant of uncertain significance in an individual with craniosynostosis in published literature (PMID: 31754721); This variant is associated with the following publications: (PMID: Nabaa2022[computational], 32160374, 31857675, 31754721)

Genomenon, Inc
Classification: Uncertain significance for Hypophosphatasia. Last evaluated: 2026-09-01. Review status: criteria provided, single submitter. Criteria: Genomenon Sequence Variant Interpretation Standards - Updated. Collection method: curation. Allele origin: germline. Affected: no.
Comment: ALPL p.Arg321Trp (c.961C>T) is a missense variant that changes the amino acid at codon 321 from Arginine to Tryptophan. This variant has been reported in the published literature (PMID:32160374;31857675). In conclusion, we classify ALPL p.Arg321Trp (c.961C>T) as a variant of uncertain significance.

Women's Health and Genetics/Laboratory Corporation of America, LabCorp
Classification: Uncertain significance. Last evaluated: 2026-04-08. Review status: criteria provided, single submitter. Criteria: LabCorp Variant Classification Summary - May 2015. Collection method: clinical testing. Allele origin: germline.
Comment: Variant summary: ALPL c.961C>T (p.Arg321Trp) results in a non-conservative amino acid change in the encoded protein sequence. Algorithms developed to predict the effect of missense changes on protein structure and function are either unavailable or do not agree on the potential impact of this missense change. The variant allele was found at a frequency of 8.7e-05 in 1614114 control chromosomes in the gnomAD database, including 1 homozygote. This frequency is not significantly higher than estimated for disease-causing variants in ALPL, allowing no conclusion about variant significance. c.961C>T has been observed in the presumed heterozygous state in at least 1 individual(s) affected with craniosynostosis (example, Yoon_2020). These report(s) do not provide unequivocal conclusions about association of the variant with ALPL-related conditions. At least one publication reports experimental evidence evaluating an impact on protein function. These results showed no damaging effect of this variant (Del Angel_2020). The following publications have been ascertained in the context of this evaluation (PMID: 32160374, 31754721, 31857675). ClinVar contains an entry for this variant (Variation ID: 875714). Based on the evidence outlined above, the variant was classified as uncertain significance.

Labcorp Genetics (formerly Invitae), Labcorp
Classification: Likely benign. Last evaluated: 2025-10-25. Review status: criteria provided, single submitter. Criteria: Invitae Variant Classification Sherloc (09022015). Collection method: clinical testing. Allele origin: germline.

JKU Lab, Dept of Paediatrics, Johannes Kepler University
Classification: Likely benign for Hypophosphatasia. Last evaluated: 2024-10-08. Review status: criteria provided, single submitter. Criteria: ACMG Guidelines, 2015. Collection method: clinical testing. Allele origin: germline. Affected: yes.
Comment: The variant is present in GnomAD, with a reported frequency of f = 0.00008673. Functional testing was undertaken at the JKU laboratory. The ACMG criteria applied can be looked up in the ALPL gene variant database.

Fulgent Genetics
Classification: Likely benign for Adult hypophosphatasia; Infantile hypophosphatasia; Childhood hypophosphatasia. Last evaluated: 2024-05-09. Review status: criteria provided, single submitter. Criteria: ACMG Guidelines, 2015. Collection method: clinical testing. Allele origin: germline.

Illumina Laboratory Services, Illumina
Classification: Likely benign for Hypophosphatasia. Last evaluated: 2018-01-13. Review status: criteria provided, single submitter. Criteria: ICSL Variant Classification Criteria 13 December 2019. Collection method: clinical testing. Allele origin: germline.
Comment: This variant was observed in the ICSL laboratory as part of a predisposition screen in an ostensibly healthy population. It had not been previously curated by ICSL or reported in the Human Gene Mutation Database (HGMD: prior to June 1st, 2018), and was therefore a candidate for classification through an automated scoring system. Utilizing variant allele frequency, disease prevalence and penetrance estimates, and inheritance mode, an automated score was calculated to assess if this variant is too frequent to cause the disease. Based on the score and internal cut-off values, a variant classified as likely benign is not then subjected to further curation. The score for this variant resulted in a classification of likely benign for this disease.

Natera, Inc.
Classification: Likely benign for Hypophosphatasia. Last evaluated: 2021-07-31. Review status: no assertion criteria provided. Collection method: clinical testing. Allele origin: germline. Not counted in ClinVar's aggregate classification.

Literature cited by the submitters: PubMed 32160374 (cited by Genomenon, Inc and Women's Health and Genetics/Laboratory Corporation of America, LabCorp); PubMed 31857675 (cited by Genomenon, Inc and Women's Health and Genetics/Laboratory Corporation of America, LabCorp); PubMed 31754721 (cited by Women's Health and Genetics/Laboratory Corporation of America, LabCorp).

NM_000478.6(ALPL):c.961C>T (p.Arg321Trp)

Gene: ALPL (alkaline phosphatase, biomineralization associated; plus strand). Cytogenetic location: 1p36.12.
Variant type: single nucleotide variant.
Coding change: c.961C>T on transcript NM_000478.6 (MANE Select); coding-DNA position 961, C replaced by T.
Protein change: p.Arg321Trp; replaces arginine 321 with tryptophan.
Molecular consequence: missense variant.
Genome position (GRCh38, 1-based): chr1:21,573,763, C>T. VCF-style: chr1-21573763-C-T. GRCh37 (hg19) VCF-style: chr1-21900256-C-T.
Other names: c.796C>T, p.Arg266Trp (NM_001127501.4); c.730C>T, p.Arg244Trp (NM_001177520.3); c.961C>T, p.Arg321Trp (NM_001369803.2, NM_001369804.2, NM_001369805.2); short protein forms R244W, R321W, R266W.
Identifiers: ClinVar variation 875714 (VCV000875714.24), dbSNP rs200133602, ClinGen allele CA666689.